The following is an entry in ClinVar:

ClinVar aggregate classification (germline): Uncertain significance. Review status: criteria provided, multiple submitters, no conflicts (2 of 4 stars). 3 submissions from 3 submitters: Uncertain significance (3). Last evaluated 2025-02-27.

Allele frequency attached by ClinVar (database versions not stated): ExAC 0.00001; gnomAD 0.00001 and 0.00002; gnomAD exomes 0.00001 and 0.00003; TOPMed 0.00002.

Submissions (3):

Ambry Genetics
Classification: Uncertain significance. Last evaluated: 2025-02-27. Review status: criteria provided, single submitter. Criteria: Ambry Variant Classification Scheme 2023. Collection method: clinical testing. Allele origin: germline.

Blueprint Genetics
Classification: Uncertain significance. Last evaluated: 2024-10-08. Review status: criteria provided, single submitter. Criteria: ACMG Guidelines, 2015. Collection method: clinical testing. Allele origin: germline.

Labcorp Genetics (formerly Invitae), Labcorp
Classification: Uncertain significance. Last evaluated: 2022-06-04. Review status: criteria provided, single submitter. Criteria: Invitae Variant Classification Sherloc (09022015). Collection method: clinical testing. Allele origin: germline.
Comment: In summary, the available evidence is currently insufficient to determine the role of this variant in disease. Therefore, it has been classified as a Variant of Uncertain Significance. Algorithms developed to predict the effect of missense changes on protein structure and function are either unavailable or do not agree on the potential impact of this missense change (SIFT: "Not Available"; PolyPhen-2: "Probably Damaging"; Align-GVGD: "Not Available"). ClinVar contains an entry for this variant (Variation ID: 1438467). This variant has not been reported in the literature in individuals affected with IDH3B-related conditions. This variant is present in population databases (rs769591882, gnomAD 0.008%). This sequence change replaces alanine, which is neutral and non-polar, with threonine, which is neutral and polar, at codon 324 of the IDH3B protein (p.Ala324Thr).

NM_006899.5(IDH3B):c.970G>A (p.Ala324Thr)

Gene: IDH3B (isocitrate dehydrogenase (NAD(+)) 3 non-catalytic subunit beta; minus strand). Cytogenetic location: 20p13.
Variant type: single nucleotide variant.
Coding change: c.970G>A on transcript NM_006899.5 (MANE Select); coding-DNA position 970, G replaced by A.
Protein change: p.Ala324Thr; replaces alanine 324 with threonine.
Molecular consequence: missense variant. On other transcripts: non-coding transcript variant (1).
Genome position (GRCh38, 1-based): chr20:2,659,739, C>T on the plus strand (G>A on the coding strand, the complement: IDH3B is on the minus strand). VCF-style: chr20-2659739-C-T. GRCh37 (hg19) VCF-style: chr20-2640385-C-T.
Other names: c.970G>A (NM_006899.2); c.970G>A, p.Ala324Thr (NM_001258384.3, NM_001330763.2, NM_174855.4); short protein forms A324T.
Identifiers: ClinVar variation 1438467 (VCV001438467.8), dbSNP rs769591882, ClinGen allele CA9735123.